The following is an entry in ClinVar:

NM_021830.5(TWNK):c.1070G>A (p.Arg357His)

Gene: TWNK (twinkle mtDNA helicase; plus strand). Cytogenetic location: 10q24.31.
Variant type: single nucleotide variant.
Coding change: c.1070G>A on transcript NM_021830.5 (MANE Select); coding-DNA position 1070, G replaced by A.
Protein change: p.Arg357His; replaces arginine 357 with histidine.
Molecular consequence: missense variant. On other transcripts: non-coding transcript variant (4), intron variant (3).
Genome position (GRCh38, 1-based): chr10:100,989,280, G>A. VCF-style: chr10-100989280-G-A. GRCh37 (hg19) VCF-style: chr10-102749037-G-A.
Other names: c.1070G>A, p.Arg357His (NM_001163812.2); c.-119-364G>A (NM_001163814.2, NM_001163813.2); c.-57-426G>A (NM_001368275.1); c.1070G>A (NM_021830.4); short protein forms R357H.
Identifiers: ClinVar variation 1423638 (VCV001423638.9), dbSNP rs758026634, ClinGen allele CA5653159.

ClinVar aggregate classification (germline): Uncertain significance. Review status: criteria provided, multiple submitters, no conflicts (2 of 4 stars). 4 submissions from 4 submitters: Uncertain significance (4). Last evaluated 2026-04-22.

Allele frequency attached by ClinVar (database versions not stated): ExAC 0.00001; gnomAD exomes 0.00002; gnomAD 0.00004.
gnomAD v4.1: 13 of 1,613,972 alleles (0.00081%); highest among the groups gnomAD compares: African/African-American, 0.0093%; no homozygotes.

Submissions (4):

Women's Health and Genetics/Laboratory Corporation of America, LabCorp
Classification: Uncertain significance. Last evaluated: 2026-04-22. Review status: criteria provided, single submitter. Criteria: LabCorp Variant Classification Summary - May 2015. Collection method: clinical testing. Allele origin: germline.
Comment: Variant summary: TWNK c.1070G>A (p.Arg357His) results in a non-conservative amino acid change in the encoded protein sequence. Algorithms developed to predict the effect of missense changes on protein structure and function are either unavailable or do not agree on the potential impact of this missense change. The variant allele was found at a frequency of 2e-05 in 251294 control chromosomes. The available data on variant occurrences in the general population are insufficient to allow any conclusion about variant significance. To our knowledge, no occurrence of c.1070G>A in individuals affected with TWNK-related conditions and no experimental evidence demonstrating its impact on protein function have been reported. ClinVar contains an entry for this variant (Variation ID: 1423638). Based on the evidence outlined above, the variant was classified as uncertain significance.

Labcorp Genetics (formerly Invitae), Labcorp
Classification: Uncertain significance. Last evaluated: 2025-06-10. Review status: criteria provided, single submitter. Criteria: Invitae Variant Classification Sherloc (09022015). Collection method: clinical testing. Allele origin: germline.
Comment: This sequence change replaces arginine, which is basic and polar, with histidine, which is basic and polar, at codon 357 of the TWNK protein (p.Arg357His). This variant is present in population databases (rs758026634, gnomAD 0.02%). This variant has not been reported in the literature in individuals affected with TWNK-related conditions. ClinVar contains an entry for this variant (Variation ID: 1423638). Invitae Evidence Modeling of protein sequence and biophysical properties (such as structural, functional, and spatial information, amino acid conservation, physicochemical variation, residue mobility, and thermodynamic stability) has been performed for this missense variant. However, the output from this modeling did not meet the statistical confidence thresholds required to predict the impact of this variant on TWNK protein function. This variant disrupts the p.Arg357 amino acid residue in TWNK. Other variant(s) that disrupt this residue have been determined to be pathogenic (PMID: 17614277, 24018892, 32161153). This suggests that this residue is clinically significant, and that variants that disrupt this residue are likely to be disease-causing. In summary, the available evidence is currently insufficient to determine the role of this variant in disease. Therefore, it has been classified as a Variant of Uncertain Significance.

Dasa
Classification: Uncertain significance. Last evaluated: 2025-01-20. Review status: criteria provided, single submitter. Criteria: DASA Assertion Criteria. Collection method: clinical testing. Allele origin: germline.
Comment: NM_021830.5(TWNK):c.1070G>A (p.Arg357His) is a missense variant that results in the substitution of arginine with histidine. The affected residue or protein region has prior evidence supporting clinical relevance. This variant is rare in population databases. Computational prediction algorithms are consistent with a benign effect. The currently available literature and clinical evidence are not sufficient to establish a definitive association between this variant and the reported condition. Therefore, this variant is classified as a variant of uncertain significance.

GeneDx
Classification: Uncertain significance. Last evaluated: 2022-10-24. Review status: criteria provided, single submitter. Criteria: GeneDx Variant Classification Process June 2021. Collection method: clinical testing. Allele origin: germline. Affected: yes.
Comment: Has not been previously published as pathogenic or benign to our knowledge; In silico analysis supports that this missense variant does not alter protein structure/function

Literature cited by the submitters: PubMed 17614277 (cited by Labcorp Genetics (formerly Invitae), Labcorp); PubMed 24018892 (cited by Labcorp Genetics (formerly Invitae), Labcorp); PubMed 32161153 (cited by Labcorp Genetics (formerly Invitae), Labcorp).